The following is an entry in ClinVar:

ClinVar aggregate classification (germline): Likely benign (1 of 4 stars; one submission).

Allele frequency attached by ClinVar (database versions not stated): gnomAD exomes 0.00008; ExAC 0.00010.

Submission:

CeGaT Center for Human Genetics Tuebingen
Classification: Likely benign. Last evaluated: 2022-07-01. Review status: criteria provided, single submitter. Criteria: CeGaT Center For Human Genetics Tuebingen Variant Classification Criteria Version 2. Collection method: clinical testing. Allele origin: germline. Affected: yes. Observed: 1 variant allele.
Comment: POTEI: BP4, BP7

NM_001277406.2(POTEI):c.42G>A (p.Val14=)

Gene: POTEI (POTE ankyrin domain family member I; minus strand). Cytogenetic location: 2q21.1.
Variant type: single nucleotide variant.
Coding change: c.42G>A on transcript NM_001277406.2 (MANE Select); coding-DNA position 42, G replaced by A.
Protein change: p.Val14=; no amino-acid change (valine 14 retained).
Molecular consequence: synonymous variant.
Genome position (GRCh38, 1-based): chr2:130,509,194, C>T on the plus strand (G>A on the coding strand, the complement: POTEI is on the minus strand). VCF-style: chr2-130509194-C-T. GRCh37 (hg19) VCF-style: chr2-131266767-C-T.
Other names: c.42G>A, p.Val14= (NM_001371926.1).
Identifiers: ClinVar variation 2651369 (VCV002651369.24), dbSNP rs752197580, ClinGen allele CA1872944.
Genomic context (GRCh38, chr2:130,509,194, plus strand): 5'-GCAGGGGAAGCAGTGGCGGCACCACTTGCCCATCTTGCTCCTGAGAACAAATGGCTTCTT[C>T]ACAGAAGAGGCAGCCGGCATTGAATCAACCTCAGCTACCATCTGCTTTTAACAGCCTGGG-3'
Protein context (NP_001264335.1, residues 4-24): EVDSMPAASS[Val14=]KKPFVLRSKM